The following is an entry in ClinVar:

ClinVar aggregate classification (germline): Benign/Likely benign. Review status: criteria provided, multiple submitters, no conflicts (2 of 4 stars). 2 submissions from 2 submitters: Benign (1); Likely benign (1). Last evaluated 2024-06-13.

Conditions:
Weill-Marchesani 4 syndrome, recessive. Also called: Weill-Marchesani syndrome 4. Identifiers: Orphanet 363992, MedGen C2750787, MONDO:0013176, OMIM 613195.

Allele frequency attached by ClinVar (database versions not stated): 1000 Genomes Project 0.00100.
gnomAD v4.1: 355 of 1,510,710 alleles (0.023%); highest among the groups gnomAD compares: East Asian, 0.46%; 3 homozygotes.

Submissions (2):

Blueprint Genetics
Classification: Likely benign. Last evaluated: 2024-06-13. Review status: criteria provided, single submitter. Criteria: ACMG Guidelines, 2015. Collection method: clinical testing. Allele origin: germline.

Illumina Laboratory Services, Illumina
Classification: Benign for Weill-Marchesani 4 syndrome, recessive. Last evaluated: 2018-01-12. Review status: criteria provided, single submitter. Criteria: ICSL Variant Classification Criteria 13 December 2019. Collection method: clinical testing. Allele origin: germline.
Comment: This variant was observed in the ICSL laboratory as part of a predisposition screen in an ostensibly healthy population. It had not been previously curated by ICSL or reported in the Human Gene Mutation Database (HGMD: prior to June 1st, 2018), and was therefore a candidate for classification through an automated scoring system. Utilizing variant allele frequency, disease prevalence and penetrance estimates, and inheritance mode, an automated score was calculated to assess if this variant is too frequent to cause the disease. Based on the score and internal cut-off values, a variant classified as benign is not then subjected to further curation. The score for this variant resulted in a classification of benign for this disease.

NM_139057.4(ADAMTS17):c.-20G>T

Gene: ADAMTS17 (ADAM metallopeptidase with thrombospondin type 1 motif 17; minus strand). Cytogenetic location: 15q26.3.
Variant type: single nucleotide variant.
Coding change: c.-20G>T on transcript NM_139057.4 (MANE Select); 20 bases upstream of the start codon, G replaced by T.
Molecular consequence: 5 prime UTR variant.
Genome position (GRCh38, 1-based): chr15:100,341,919, C>A on the plus strand (G>T on the coding strand, the complement: ADAMTS17 is on the minus strand). VCF-style: chr15-100341919-C-A. GRCh37 (hg19) VCF-style: chr15-100882124-C-A.
Identifiers: ClinVar variation 884804 (VCV000884804.5), dbSNP rs569251254, ClinGen allele CA7758788.